The following is an entry in ClinVar:

ClinVar aggregate classification (germline): Uncertain significance. Review status: criteria provided, multiple submitters, no conflicts (2 of 4 stars). 2 submissions from 2 submitters: Uncertain significance (2). Last evaluated 2026-09-21.

Conditions:
BBS10-related disorder. Also called: BBS10-related condition.
Bardet-Biedl syndrome 10 (BBS10). Identifiers: Orphanet 110, MedGen C1859568, MONDO:0014438, OMIM 615987.

Submissions (2):

PreventionGenetics, part of Exact Sciences
Classification: Uncertain significance for BBS10-related condition. Last evaluated: 2026-09-21. Review status: criteria provided, single submitter. Criteria: ACMG Guidelines, 2015. Collection method: clinical testing. Allele origin: germline.
Comment: The BBS10 c.275A>G variant is predicted to result in the amino acid substitution p.His92Arg. To our knowledge, this variant has not been reported in the literature. This variant is reported in 0.011% of alleles in individuals of African descent in gnomAD. At this time, the clinical significance of this variant is uncertain due to the absence of conclusive functional and genetic evidence.

Fulgent Genetics
Classification: Uncertain significance for Bardet-Biedl syndrome 10. Last evaluated: 2024-06-17. Review status: criteria provided, single submitter. Criteria: ACMG Guidelines, 2015. Collection method: clinical testing. Allele origin: germline.

NM_024685.4(BBS10):c.275A>G (p.His92Arg)

Gene: BBS10 (Bardet-Biedl syndrome 10; minus strand). Cytogenetic location: 12q21.2.
Variant type: single nucleotide variant.
Coding change: c.275A>G on transcript NM_024685.4 (MANE Select); coding-DNA position 275, A replaced by G.
Protein change: p.His92Arg; replaces histidine 92 with arginine.
Molecular consequence: missense variant.
Genome position (GRCh38, 1-based): chr12:76,347,710, T>C on the plus strand (A>G on the coding strand, the complement: BBS10 is on the minus strand). VCF-style: chr12-76347710-T-C. GRCh37 (hg19) VCF-style: chr12-76741490-T-C.
Other names: c.275A>G (NM_024685.3); short protein forms H92R.
Identifiers: ClinVar variation 3575319 (VCV003575319.2).
Genomic context (GRCh38, chr12:76,347,710, plus strand): 5'-TTTTCACACATCAAAGGATCCTTTTCTCTGTCTGTGATTGCATGAAGTCCTCTAAGCAAA[T>C]GGCAAAGAAAGATAATAAATGTTTTTGCACCATCTCCTGTTTTTTTGAGATGACTGGAAA-3'
Protein context (NP_078961.3, residues 82-102): GAKTFIIFLC[His92Arg]LLRGLHAITD